The following is an entry in ClinVar:

NM_004369.4(COL6A3):c.1512A>G (p.Thr504=)

Gene: COL6A3 (collagen type VI alpha 3 chain; minus strand). Cytogenetic location: 2q37.3.
Variant type: single nucleotide variant.
Coding change: c.1512A>G on transcript NM_004369.4 (MANE Select); coding-DNA position 1512, A replaced by G.
Protein change: p.Thr504=; no amino-acid change (threonine 504 retained).
Molecular consequence: synonymous variant.
Genome position (GRCh38, 1-based): chr2:237,381,300, T>C on the plus strand (A>G on the coding strand, the complement: COL6A3 is on the minus strand). VCF-style: chr2-237381300-T-C. GRCh37 (hg19) VCF-style: chr2-238289943-T-C.
Other names: c.291A>G, p.Thr97= (NM_057164.5, NM_057166.5); c.894A>G, p.Thr298= (NM_057165.5, NM_057167.4).
Identifiers: ClinVar variation 1670304 (VCV001670304.32), dbSNP rs199969722, ClinGen allele CA2189611.

ClinVar aggregate classification (germline): Likely benign. Review status: criteria provided, multiple submitters, no conflicts (2 of 4 stars). 2 submissions from 2 submitters: Likely benign (2). Last evaluated 2025-10-01.

Conditions:
Bethlem myopathy 1A. Also called: MYOPATHY, BENIGN CONGENITAL, WITH CONTRACTURES; Bethlem myopathy 1; Bethlem Muscular Dystrophy. Identifiers: Orphanet 610, MedGen CN029274, MONDO:0024530, OMIM 158810.

gnomAD v4.1: 57 of 1,614,132 alleles (0.0035%); highest among the groups gnomAD compares: Non-Finnish European, 0.0045%; no homozygotes.

Submissions (2):

Labcorp Genetics (formerly Invitae), Labcorp
Classification: Likely benign for Bethlem myopathy 1A. Last evaluated: 2025-10-01. Review status: criteria provided, single submitter. Criteria: Invitae Variant Classification Sherloc (09022015). Collection method: clinical testing. Allele origin: germline.

CeGaT Center for Human Genetics Tuebingen
Classification: Likely benign. Last evaluated: 2022-12-01. Review status: criteria provided, single submitter. Criteria: CeGaT Center For Human Genetics Tuebingen Variant Classification Criteria Version 2. Collection method: clinical testing. Allele origin: germline. Affected: yes. Observed: 1 variant allele.
Comment: COL6A3: BP4, BP7